The following is an entry in ClinVar:

NM_024408.4(NOTCH2):c.1616C>A (p.Thr539Asn)

Gene: NOTCH2 (notch receptor 2; minus strand). Cytogenetic location: 1p12.
Variant type: single nucleotide variant.
Coding change: c.1616C>A on transcript NM_024408.4 (MANE Select); coding-DNA position 1616, C replaced by A.
Protein change: p.Thr539Asn; replaces threonine 539 with asparagine.
Molecular consequence: missense variant.
Genome position (GRCh38, 1-based): chr1:119,965,518, G>T on the plus strand (C>A on the coding strand, the complement: NOTCH2 is on the minus strand). VCF-style: chr1-119965518-G-T. GRCh37 (hg19) VCF-style: chr1-120508141-G-T.
Other names: c.1616C>A, p.Thr539Asn (NM_001200001.2); short protein forms T539N.
Identifiers: ClinVar variation 3906549 (VCV003906549.1).

ClinVar aggregate classification (germline): Uncertain significance (1 of 4 stars; one submission).

Submission:

GeneDx
Classification: Uncertain significance. Last evaluated: 2024-12-16. Review status: criteria provided, single submitter. Criteria: GeneDx Variant Classification Process June 2021. Collection method: clinical testing. Allele origin: germline. Affected: yes.
Comment: Not observed at significant frequency in large population cohorts (gnomAD); In silico analysis supports that this missense variant has a deleterious effect on protein structure/function; Has not been previously published as pathogenic or benign to our knowledge